The following is an entry in ClinVar:

ClinVar aggregate classification (germline): Pathogenic (1 of 4 stars; one submission).

Submission:

Labcorp Genetics (formerly Invitae), Labcorp
Classification: Pathogenic. Last evaluated: 2022-03-12. Review status: criteria provided, single submitter. Criteria: Invitae Variant Classification Sherloc (09022015). Collection method: clinical testing. Allele origin: germline.
Comment: This variant has not been reported in the literature in individuals affected with NFKB1-related conditions. For these reasons, this variant has been classified as Pathogenic. This variant is not present in population databases (gnomAD no frequency). This sequence change creates a premature translational stop signal (p.Tyr270Ilefs*162) in the NFKB1 gene. It is expected to result in an absent or disrupted protein product. Loss-of-function variants in NFKB1 are known to be pathogenic (PMID: 26279205, 29477724).

Literature cited by the submitters: PubMed 26279205; PubMed 29477724.

NM_003998.4(NFKB1):c.808del (p.Tyr270fs)

Gene: NFKB1 (nuclear factor kappa B subunit 1; plus strand). Cytogenetic location: 4q24.
Variant type: Deletion.
Coding change: c.808del on transcript NM_003998.4 (MANE Select); coding-DNA position 808, one base deleted (T; older notation c.808delT).
Protein change: p.Tyr270fs; shifts the reading frame from tyrosine 270.
Molecular consequence: frameshift variant.
Genome position (GRCh38, 1-based): chr4:102,580,612, T deleted; the last of 3 consecutive T bases (chr4:102,580,610-102,580,612); deleting any one gives the same sequence. VCF-style (leftmost placement, unchanged base first): chr4-102580609-AT-A. GRCh37 (hg19) VCF-style: chr4-103501766-AT-A.
Other names: c.805del, p.Tyr269fs (NM_001165412.2, NM_001319226.2, NM_001382627.1); c.808del, p.Tyr270fs (NM_001382625.1, NM_001382626.1); c.766del, p.Tyr256fs (NM_001382628.1); short protein forms Y256fs, Y269fs, Y270fs.
Identifiers: ClinVar variation 2109708 (VCV002109708.4), dbSNP rs2476425600, ClinGen allele CA2580071558.